The following is an entry in ClinVar:

ClinVar aggregate classification (germline): Uncertain significance. Review status: criteria provided, single submitter (1 of 4 stars). 2 submissions from 2 submitters: Uncertain significance (1). 1 of the submissions does not count toward it. Last evaluated 2024-11-11.

Conditions:
Autosomal recessive nonsyndromic hearing loss 28. Identifiers: Orphanet 90636, MedGen C1853276, MONDO:0012355, OMIM 609823.

Allele frequency attached by ClinVar (database versions not stated): gnomAD exomes below 0.00001.
gnomAD v4.1: 1 of 1,613,830 alleles (0.000062%); highest among the groups gnomAD compares: Middle Eastern, 0.017%; no homozygotes.

Submissions (2):

3billion
Classification: Uncertain significance for Autosomal recessive nonsyndromic hearing loss 28. Last evaluated: 2024-11-11. Review status: criteria provided, single submitter. Criteria: ACMG Guidelines, 2015. Collection method: clinical testing. Allele origin: germline. Affected: yes.
Comment: The variant is observed at an extremely low frequency in the gnomAD v4.1.0 dataset (total allele frequency: <0.001%). Predicted Consequence/Location: Missense variant. The majority of the known disease-causing variants of this gene are variants expected to result in premature termination of the protein. In silico tool predictions suggest no damaging effect of the variant on gene or gene product [REVEL: 0.30 (<0.4); 3Cnet: 0.00 (<0.15, specificity 0.78 and negative predictive value 0.92)]. The same nucleotide change resulting in the same amino acid change has been previously reported to be associated with TRIOBP related disorder (ClinVar ID: VCV000402281 /PMID: 16385458). The variant has been reported to be in trans with a pathogenic variant as either compound heterozygous or homozygous in at least one similarly affected unrelated individual (PMID: 16385458). However, the evidence of pathogenicity is insufficient at this time Therefore, this variant is classified as VUS according to the recommendation of ACMG/AMP guideline.

Hereditary Research Laboratory, Bethlehem University
Classification: Pathogenic for Autosomal recessive nonsyndromic hearing loss 28. Last evaluated: 2016-06-04. Review status: no assertion criteria provided. Collection method: research. Allele origin: germline. Affected: yes. Not counted in ClinVar's aggregate classification.
Comment: Moderate to severe

Literature cited by the submitters: PubMed 16385458 (cited by 3billion).

NM_001039141.3(TRIOBP):c.3055G>A (p.Gly1019Arg)

Gene: TRIOBP (TRIO and F-actin binding protein; plus strand). Cytogenetic location: 22q13.1.
Variant type: single nucleotide variant.
Coding change: c.3055G>A on transcript NM_001039141.3 (MANE Select); coding-DNA position 3055, G replaced by A.
Protein change: p.Gly1019Arg; replaces glycine 1019 with arginine.
Molecular consequence: missense variant.
Genome position (GRCh38, 1-based): chr22:37,725,611, G>A. VCF-style: chr22-37725611-G-A. GRCh37 (hg19) VCF-style: chr22-38121618-G-A.
Other names: short protein forms G1019R.
Identifiers: ClinVar variation 402281 (VCV000402281.2), dbSNP rs549095193, ClinGen allele CA16609585.